The following is an entry in ClinVar:

NM_138694.4(PKHD1):c.5414A>G (p.Glu1805Gly)

Gene: PKHD1 (PKHD1 ciliary IPT domain containing fibrocystin/polyductin; minus strand). Cytogenetic location: 6p12.2.
Variant type: single nucleotide variant.
Coding change: c.5414A>G on transcript NM_138694.4 (MANE Select); coding-DNA position 5414, A replaced by G.
Protein change: p.Glu1805Gly; replaces glutamic acid 1805 with glycine.
Molecular consequence: missense variant.
Genome position (GRCh38, 1-based): chr6:52,017,596, T>C on the plus strand (A>G on the coding strand, the complement: PKHD1 is on the minus strand). VCF-style: chr6-52017596-T-C. GRCh37 (hg19) VCF-style: chr6-51882394-T-C.
Other names: p.Glu1805Gly; c.5414A>G, p.Glu1805Gly (NM_170724.3); short protein forms E1805G.
Identifiers: ClinVar variation 520590 (VCV000520590.10), dbSNP rs377674026, ClinGen allele CA3852513.

ClinVar aggregate classification (germline): Uncertain significance. Review status: criteria provided, multiple submitters, no conflicts (2 of 4 stars). 4 submissions from 4 submitters: Uncertain significance (3). 1 of the submissions does not count toward it. Last evaluated 2022-11-17.

Conditions:
Polycystic kidney disease 4 (PKD4). Also called: Autosomal Recessive Polycystic Kidney Disease – PKHD1; PKD3; POLYCYSTIC KIDNEY AND HEPATIC DISEASE 1; POLYCYSTIC KIDNEY DISEASE, INFANTILE, TYPE I; POLYCYSTIC KIDNEY DISEASE 4 WITH OR WITHOUT POLYCYSTIC LIVER DISEASE. Identifiers: MedGen C4540575, MONDO:0033004, OMIM 263200.
Inborn genetic diseases. Identifiers: MedGen C0950123, MeSH D030342.
Autosomal recessive polycystic kidney disease (ARPKD). Also called: AR polycystic kidney disease. Identifiers: Orphanet 731, Orphanet 8378, MedGen C0085548, MeSH D017044, MONDO:0009889.

Allele frequency attached by ClinVar (database versions not stated): gnomAD 0.00003; TOPMed 0.00004; ESP Exome Variant Server 0.00008.
gnomAD v4.1: 134 of 1,613,764 alleles (0.0083%); highest among the groups gnomAD compares: Non-Finnish European, 0.011%; no homozygotes.

Submissions (4):

Mayo Clinic Laboratories, Mayo Clinic
Classification: Uncertain significance. Last evaluated: 2022-11-17. Review status: criteria provided, single submitter. Criteria: ACMG Guidelines, 2015. Collection method: clinical testing. Allele origin: germline. Observed: 1 variant allele.
Comment: BP4

Fulgent Genetics
Classification: Uncertain significance for Polycystic kidney disease 4. Last evaluated: 2022-03-01. Review status: criteria provided, single submitter. Criteria: ACMG Guidelines, 2015. Collection method: clinical testing. Allele origin: unknown.

Ambry Genetics
Classification: Uncertain significance for Inborn genetic diseases. Last evaluated: 2014-10-09. Review status: criteria provided, single submitter. Criteria: Ambry Variant Classification Scheme 2023. Collection method: clinical testing. Allele origin: germline.
Comment: The c.5414A>G (p.E1805G) alteration is located in exon 34 (coding exon 33) of the PKHD1 gene. This alteration results from a A to G substitution at nucleotide position 5414, causing the glutamic acid (E) at amino acid position 1805 to be replaced by a glycine (G). The heterozygous missense change is ultra rare in healthy individuals:_x000D_ Based on data from the NHLBI Exome Sequencing Project (ESP), the PKHD1 c.5414A>G alteration was observed in 1 among 13006 total alleles studied (0.01%). Allele frequency data for this nucleotide position are not currently available from the 1000 Genomes Project. Based on data from the Genome Aggregation Database (gnomAD), the c.5414A>G alteration was observed among 0.004% (10/276,556) of total alleles studied, having been observed in 0.02% (1/6456) Other ethnicity alleles, 0.006% (7/126,174) Non-Finnish European alleles, and 1 allele in 23,972 African alleles and 34,400 Latino alleles each. Though some variants may appear to be rare due to database-specific ethnic underrepresentation, rare missense alleles commonly exhibit a deleterious effect on protein function (Kryukov, 2007; Tennessen, 2012). The altered amino acid is not conserved throughout evolution:_x000D_ The p.E1805 amino acid is not well conserved in available vertebrate species. The alteration is predicted benign by in silico models:_x000D_ The p.E1805G alteration is predicted to be benign by Polyphen and tolerated by SIFT in silico analyses. Based on insufficient or conflicting evidence, the clinical significance of this alteration remains unclear.

Natera, Inc.
Classification: Uncertain significance for Autosomal recessive polycystic kidney disease. Last evaluated: 2020-09-16. Review status: no assertion criteria provided. Collection method: clinical testing. Allele origin: germline. Not counted in ClinVar's aggregate classification.

Literature cited by the submitters: PubMed 15805161 (cited by Ambry Genetics).